The following is an entry in ClinVar:

NM_004380.3(CREBBP):c.6673A>T (p.Met2225Leu)

Gene: CREBBP (CREB binding lysine acetyltransferase; minus strand). Cytogenetic location: 16p13.3.
Variant type: single nucleotide variant.
Coding change: c.6673A>T on transcript NM_004380.3 (MANE Select); coding-DNA position 6673, A replaced by T.
Protein change: p.Met2225Leu; replaces methionine 2225 with leucine.
Molecular consequence: missense variant.
Genome position (GRCh38, 1-based): chr16:3,728,374, T>A on the plus strand (A>T on the coding strand, the complement: CREBBP is on the minus strand). VCF-style: chr16-3728374-T-A. GRCh37 (hg19) VCF-style: chr16-3778375-T-A.
Other names: c.6559A>T, p.Met2187Leu (NM_001079846.1); short protein forms M2187L, M2225L.
Identifiers: ClinVar variation 1309781 (VCV001309781.4), dbSNP rs2151302343, ClinGen allele CA394552185.

ClinVar aggregate classification (germline): Uncertain significance. Review status: criteria provided, single submitter (1 of 4 stars). 2 submissions from 2 submitters: Uncertain significance (1). 1 of the submissions does not count toward it. Last evaluated 2019-10-25.

Conditions:
CREBBP-related disorder. Also called: CREBBP-related condition; CREBBP-related disorders.

Submissions (2):

GeneDx
Classification: Uncertain significance. Last evaluated: 2019-10-25. Review status: criteria provided, single submitter. Criteria: GeneDx Variant Classification Process June 2021. Collection method: clinical testing. Allele origin: germline. Affected: yes.
Comment: Not observed in large population cohorts (Lek et al., 2016); In silico analysis, which includes protein predictors and evolutionary conservation, supports that this variant does not alter protein structure/function; Has not been previously published as pathogenic or benign to our knowledge

PreventionGenetics, part of Exact Sciences
Classification: Uncertain significance for CREBBP-related condition. Last evaluated: 2024-02-19. Review status: no assertion criteria provided. Collection method: clinical testing. Allele origin: germline. Not counted in ClinVar's aggregate classification.
Comment: The CREBBP c.6673A>T variant is predicted to result in the amino acid substitution p.Met2225Leu. To our knowledge, this variant has not been reported in the literature or in a large population database, indicating this variant is rare. At this time, the clinical significance of this variant is uncertain due to the absence of conclusive functional and genetic evidence.